The following is an entry in ClinVar:

NM_016373.4(WWOX):c.332C>G (p.Thr111Ser)

Gene: WWOX (WW domain containing oxidoreductase; plus strand). Cytogenetic location: 16q23.1.
Variant type: single nucleotide variant.
Coding change: c.332C>G on transcript NM_016373.4 (MANE Select); coding-DNA position 332, C replaced by G.
Protein change: p.Thr111Ser; replaces threonine 111 with serine.
Molecular consequence: missense variant. On other transcripts: 5 prime UTR variant (1), non-coding transcript variant (1).
Genome position (GRCh38, 1-based): chr16:78,115,077, C>G. VCF-style: chr16-78115077-C-G. GRCh37 (hg19) VCF-style: chr16-78148974-C-G.
Other names: c.-8C>G (NM_001291997.2); c.332C>G, p.Thr111Ser (NM_130791.5); short protein forms T111S.
Identifiers: ClinVar variation 383820 (VCV000383820.24), dbSNP rs114755364, ClinGen allele CA8183162.

ClinVar aggregate classification (germline): Conflicting classifications of pathogenicity. Review status: criteria provided, conflicting classifications (1 of 4 stars). 6 submissions from 6 submitters: Uncertain significance (1); Benign (2); Likely benign (3). Last evaluated 2026-02-03.

Conditions:
Developmental and epileptic encephalopathy, 28 (DEE28). Also called: Epileptic encephalopathy, early infantile, 28. Identifiers: Orphanet 442835, MedGen C4015519, MONDO:0014533, OMIM 616211.
Autosomal recessive spinocerebellar ataxia 12. Also called: SPINOCEREBELLAR ATAXIA WITH MENTAL RETARDATION AND EPILEPSY. Identifiers: Orphanet 284282, MedGen C3280452, MONDO:0013687, OMIM 614322.
Developmental and epileptic encephalopathy, 1 (DEE1). Also called: Epileptic encephalopathy, early infantile, 1; X-linked infantile spasms; West's syndrome; Tonic spasms with clustering, arrest of psychomotor development and hypsarrhythmia on EEG; X-Linked Infantile Spasm Syndrome; OHTAHARA SYNDROME, X-LINKED. Identifiers: MedGen C3463992, MONDO:0010632, OMIM 308350. Disease mechanism: loss of function.

Allele frequency attached by ClinVar (database versions not stated): gnomAD exomes 0.00029 and 0.00071; ExAC 0.00082; gnomAD 0.00299 and 0.00326; TOPMed 0.00354; 1000 Genomes Project 0.00359; ESP Exome Variant Server 0.00362; 1000 Genomes Project 30x 0.00375.
gnomAD v4.1: 894 of 1,614,186 alleles (0.055%); highest among the groups gnomAD compares: African/African-American, 1.1%; 5 homozygotes.

Submissions (6):

Labcorp Genetics (formerly Invitae), Labcorp
Classification: Benign for Developmental and epileptic encephalopathy, 1; Autosomal recessive spinocerebellar ataxia 12. Last evaluated: 2026-02-03. Review status: criteria provided, single submitter. Criteria: Invitae Variant Classification Sherloc (09022015). Collection method: clinical testing. Allele origin: germline.

CeGaT Center for Human Genetics Tuebingen
Classification: Likely benign. Last evaluated: 2025-04-01. Review status: criteria provided, single submitter. Criteria: CeGaT Center For Human Genetics Tuebingen Variant Classification Criteria Version 2. Collection method: clinical testing. Allele origin: germline. Affected: yes. Observed: 1 variant allele.
Comment: WWOX: BP4, BS1

Blueprint Genetics
Classification: Likely benign. Last evaluated: 2024-11-25. Review status: criteria provided, single submitter. Criteria: ACMG Guidelines, 2015. Collection method: clinical testing. Allele origin: germline.

Athena Diagnostics
Classification: Benign. Last evaluated: 2023-11-02. Review status: criteria provided, single submitter. Criteria: Athena Diagnostics Criteria. Collection method: clinical testing. Allele origin: unknown.

GeneDx
Classification: Likely benign. Last evaluated: 2021-02-15. Review status: criteria provided, single submitter. Criteria: GeneDx Variant Classification Process June 2021. Collection method: clinical testing. Allele origin: germline. Affected: yes.

New York Genome Center
Classification: Uncertain significance for Developmental and epileptic encephalopathy, 28. Last evaluated: 2019-09-17. Review status: criteria provided, single submitter. Criteria: NYGC Assertion Criteria 2020. Collection method: clinical testing. Allele origin: germline. Inheritance: Autosomal recessive inheritance. Observed: 1 heterozygote. Study: CSER-NYCKidSeq.

Literature cited by the submitters: PubMed 11572989 (cited by Athena Diagnostics); PubMed 20480411 (cited by Athena Diagnostics); PubMed 27655721 (cited by Athena Diagnostics).